The following is an entry in ClinVar:

ClinVar aggregate classification (germline): Uncertain significance (1 of 4 stars; one submission).

Conditions:
Perlman syndrome (PRLMNS). Identifiers: Orphanet 2849, MedGen C0796113, MONDO:0009965, OMIM 267000.

gnomAD v4.1: 3 of 1,595,088 alleles (0.00019%); highest among the groups gnomAD compares: Non-Finnish European, 0.00026%; no homozygotes.

Submission:

Labcorp Genetics (formerly Invitae), Labcorp
Classification: Uncertain significance for Perlman syndrome. Last evaluated: 2019-12-03. Review status: criteria provided, single submitter. Criteria: Invitae Variant Classification Sherloc (09022015). Collection method: clinical testing. Allele origin: germline.
Comment: In summary, the available evidence is currently insufficient to determine the role of this variant in disease. Therefore, it has been classified as a Variant of Uncertain Significance. Experimental studies and prediction algorithms are not available or were not evaluated, and the functional significance of this variant is currently unknown. This variant has not been reported in the literature in individuals with DIS3L2-related conditions. This variant is not present in population databases (ExAC no frequency). This sequence change disrupts the translational stop signal of the DIS3L2 mRNA. It is expected to extend the length of the DIS3L2 protein by 23 additional amino acid residues.

NM_152383.5(DIS3L2):c.2656T>G (p.Ter886Gly)

Gene: DIS3L2 (DIS3 like 3'-5' exoribonuclease 2; plus strand). Cytogenetic location: 2q37.1.
Variant type: single nucleotide variant.
Coding change: c.2656T>G on transcript NM_152383.5 (MANE Select); coding-DNA position 2656, T replaced by G.
Protein change: p.Ter886Gly.
Molecular consequence: stop lost. On other transcripts: non-coding transcript variant (2), intron variant (1).
Genome position (GRCh38, 1-based): chr2:232,336,628, T>G. VCF-style: chr2-232336628-T-G. GRCh37 (hg19) VCF-style: chr2-233201338-T-G.
Other names: *886G; c.1582-6717T>G (NM_001257281.2).
Identifiers: ClinVar variation 838794 (VCV000838794.7), dbSNP rs1695960852, ClinGen allele CA350979164.